The following is an entry in ClinVar:

ClinVar aggregate classification (germline): Uncertain significance (1 of 4 stars; one submission).

Submission:

Dasa
Classification: Uncertain significance. Last evaluated: 2025-11-04. Review status: criteria provided, single submitter. Criteria: DASA Assertion Criteria. Collection method: clinical testing. Allele origin: germline.
Comment: NM_001348323.3(TRIP12):c.1700T>G (p.Val567Gly) is a missense variant that results in the substitution of valine with glycine. This variant is absent from population databases. Computational prediction algorithms are consistent with a deleterious effect. The currently available literature and clinical evidence are not sufficient to establish a definitive association between this variant and the reported condition. Therefore, this variant is classified as a variant of uncertain significance.

NM_001348323.3(TRIP12):c.1700T>G (p.Val567Gly)

Gene: TRIP12 (thyroid hormone receptor interactor 12; minus strand). Cytogenetic location: 2q36.3.
Variant type: single nucleotide variant.
Coding change: c.1700T>G on transcript NM_001348323.3 (MANE Select); coding-DNA position 1700, T replaced by G.
Protein change: p.Val567Gly; replaces valine 567 with glycine.
Molecular consequence: missense variant.
Genome position (GRCh38, 1-based): chr2:229,815,130, A>C on the plus strand (T>G on the coding strand, the complement: TRIP12 is on the minus strand). VCF-style: chr2-229815130-A-C. GRCh37 (hg19) VCF-style: chr2-230679846-A-C.
Other names: c.1700T>G, p.Val567Gly (NM_001348329.2, NM_001348330.2, NM_001348333.1 and 11 more transcripts); c.1574T>G, p.Val525Gly (NM_001348331.1, NM_001284215.2, NM_001348316.2 and 2 more transcripts); c.1613T>G, p.Val538Gly (NM_001348332.1); c.1556T>G, p.Val519Gly (NM_004238.3); c.665T>G, p.Val222Gly (NM_001284216.2); short protein forms V222G, V519G, V525G, V538G, V567G.
Identifiers: ClinVar variation 4885357 (VCV004885357.2).